The following is an entry in ClinVar:

NM_001018115.3(FANCD2):c.1116C>T (p.Ala372=)

Genes: FANCD2 (FA complementation group D2; plus strand), LOC107303338 (3p25 FANCD2 Alu-mediated recombination region; plus strand). Cytogenetic location: 3p25.3.
Variant type: single nucleotide variant.
Coding change: c.1116C>T on transcript NM_001018115.3 (MANE Select); coding-DNA position 1116, C replaced by T.
Protein change: p.Ala372=; no amino-acid change (alanine 372 retained).
Molecular consequence: synonymous variant.
Genome position (GRCh38, 1-based): chr3:10,043,846, C>T. VCF-style: chr3-10043846-C-T. GRCh37 (hg19) VCF-style: chr3-10085530-C-T.
Other names: c.1116C>T (NM_001018115.2); c.1116C>T, p.Ala372= (NM_001319984.2, NM_001374253.1, NM_001374254.1 and 1 more transcripts).
Identifiers: ClinVar variation 342258 (VCV000342258.37), dbSNP rs370078641, ClinGen allele CA2249500.

ClinVar aggregate classification (germline): Conflicting classifications of pathogenicity. Review status: criteria provided, conflicting classifications (1 of 4 stars). 5 submissions from 5 submitters: Uncertain significance (1); Likely benign (3). 1 of the submissions does not count toward it. Last evaluated 2026-01-26.

Conditions:
Fanconi anemia (FA). Also called: Fanconi's anemia. Identifiers: Orphanet 84, MedGen C0015625, MeSH D005199, MONDO:0019391.
FANCD2-related disorder. Also called: FANCD2-related condition.
Fanconi anemia complementation group D2. Also called: FANCD2-Related Fanconi Anemia; FANCONI PANCYTOPENIA, TYPE 4; FANCONI ANEMIA, COMPLEMENTATION GROUP D. Identifiers: Orphanet 84, MedGen C3160738, MONDO:0009214, OMIM 227646.

Allele frequency attached by ClinVar (database versions not stated): ESP Exome Variant Server 0.00008; ExAC 0.00009; gnomAD exomes 0.00010 and 0.00011; TOPMed 0.00010; gnomAD 0.00015 and 0.00016.
gnomAD v4.1: 187 of 1,613,034 alleles (0.012%); highest among the groups gnomAD compares: Middle Eastern, 0.033%; no homozygotes.

Submissions (5):

Labcorp Genetics (formerly Invitae), Labcorp
Classification: Likely benign for Fanconi anemia. Last evaluated: 2026-01-26. Review status: criteria provided, single submitter. Criteria: Invitae Variant Classification Sherloc (09022015). Collection method: clinical testing. Allele origin: germline.

Blueprint Genetics
Classification: Likely benign. Last evaluated: 2024-09-02. Review status: criteria provided, single submitter. Criteria: ACMG Guidelines, 2015. Collection method: clinical testing. Allele origin: germline.

CeGaT Center for Human Genetics Tuebingen
Classification: Likely benign. Last evaluated: 2024-05-01. Review status: criteria provided, single submitter. Criteria: CeGaT Center For Human Genetics Tuebingen Variant Classification Criteria Version 2. Collection method: clinical testing. Allele origin: germline. Affected: yes. Observed: 2 variant alleles.
Comment: FANCD2: BP4, BP7

Illumina Laboratory Services, Illumina
Classification: Uncertain significance for Fanconi anemia complementation group D2. Last evaluated: 2018-01-13. Review status: criteria provided, single submitter. Criteria: ICSL Variant Classification Criteria 13 December 2019. Collection method: clinical testing. Allele origin: germline.

PreventionGenetics, part of Exact Sciences
Classification: Likely benign for FANCD2-related condition. Last evaluated: 2022-12-06. Review status: no assertion criteria provided. Collection method: clinical testing. Allele origin: germline. Not counted in ClinVar's aggregate classification.
Comment: This variant is classified as likely benign based on ACMG/AMP sequence variant interpretation guidelines (Richards et al. 2015 PMID: 25741868, with internal and published modifications).